The following is an entry in ClinVar:

NM_000465.4(BARD1):c.2002-11_2002-10delinsTC

Gene: BARD1 (BRCA1 associated RING domain 1; minus strand). Cytogenetic location: 2q35.
Variant type: Indel.
Coding change: c.2002-11_2002-10delinsTC on transcript NM_000465.4 (MANE Select); 11 bases into the intron before coding-DNA position 2002 through 10 bases into the intron before coding-DNA position 2002, CA replaced by TC.
Molecular consequence: intron variant.
Genome position (GRCh38, 1-based): chr2:214,729,018-214,729,019, TG replaced by GA on the plus strand (CA replaced by TC on the coding strand, the reverse complement: BARD1 is on the minus strand). VCF-style: chr2-214729018-TG-GA. GRCh37 (hg19) VCF-style: chr2-215593742-TG-GA.
Other names: c.592-11_592-10delinsTC (NM_001282548.2); c.1945-11_1945-10delinsTC (NM_001282543.2); c.649-11_649-10delinsTC (NM_001282545.2); c.463-11_463-10delinsTC (NM_001282549.2).
Identifiers: ClinVar variation 3378912 (VCV003378912.1).

ClinVar aggregate classification (germline): Likely benign (1 of 4 stars; one submission).

Conditions:
Familial cancer of breast. Also called: hereditary breast carcinoma; Hereditary breast cancer; BREAST CANCER, FAMILIAL. Identifiers: Orphanet 227535, MedGen C0346153, MONDO:0016419, OMIM 114480. Disease mechanism: loss of function.

Submission:

Myriad Genetics, Inc.
Classification: Likely benign for Familial cancer of breast. Last evaluated: 2024-07-29. Review status: criteria provided, single submitter. Criteria: Myriad Autosomal Dominant, Autosomal Recessive and X-Linked Classification Criteria (2023). Collection method: clinical testing. Allele origin: unknown.
Comment: This variant is considered likely benign. This variant is intronic and is not expected to impact mRNA splicing.